The following is an entry in ClinVar:

ClinVar aggregate classification (germline): Conflicting classifications of pathogenicity. Review status: criteria provided, conflicting classifications (1 of 4 stars). 2 submissions from 2 submitters: Uncertain significance (1); Likely benign (1). Last evaluated 2025-03-17.

Conditions:
Hereditary cancer-predisposing syndrome. Also called: Hereditary Cancer Syndrome; Tumor predisposition; Neoplastic Syndromes, Hereditary; Hereditary neoplastic syndrome. Identifiers: Orphanet 140162, MedGen C0027672, MeSH D009386, MONDO:0015356.
Gorlin syndrome. Also called: Basal cell nevus syndrome; Nevoid Basal Cell Carcinoma Syndrome. Identifiers: Orphanet 377, MedGen C0004779, MONDO:0007187.

Allele frequency attached by ClinVar (database versions not stated): TOPMed 0.00002.

Submissions (2):

Labcorp Genetics (formerly Invitae), Labcorp
Classification: Uncertain significance for Gorlin syndrome. Last evaluated: 2025-03-17. Review status: criteria provided, single submitter. Criteria: Invitae Variant Classification Sherloc (09022015). Collection method: clinical testing. Allele origin: germline.
Comment: This sequence change replaces glycine, which is neutral and non-polar, with arginine, which is basic and polar, at codon 38 of the PTCH1 protein (p.Gly38Arg). This variant is not present in population databases (gnomAD no frequency). This variant has not been reported in the literature in individuals affected with PTCH1-related conditions. ClinVar contains an entry for this variant (Variation ID: 650069). Invitae Evidence Modeling of protein sequence and biophysical properties (such as structural, functional, and spatial information, amino acid conservation, physicochemical variation, residue mobility, and thermodynamic stability) indicates that this missense variant is not expected to disrupt PTCH1 protein function with a negative predictive value of 95%. In summary, the available evidence is currently insufficient to determine the role of this variant in disease. Therefore, it has been classified as a Variant of Uncertain Significance.

Ambry Genetics
Classification: Likely benign for Hereditary cancer-predisposing syndrome. Last evaluated: 2024-12-30. Review status: criteria provided, single submitter. Criteria: Ambry Variant Classification Scheme 2023. Collection method: clinical testing. Allele origin: germline.

NM_000264.5(PTCH1):c.112G>A (p.Gly38Arg)

Genes: PTCH1 (patched 1; minus strand), LOC130002133 (ATAC-STARR-seq lymphoblastoid silent region 20071; plus strand). Cytogenetic location: 9q22.32.
Variant type: single nucleotide variant.
Coding change: c.112G>A on transcript NM_000264.5 (MANE Select); coding-DNA position 112, G replaced by A.
Protein change: p.Gly38Arg; replaces glycine 38 with arginine.
Molecular consequence: missense variant. On other transcripts: non-coding transcript variant (1), intron variant (3).
Genome position (GRCh38, 1-based): chr9:95,508,250, C>T on the plus strand (G>A on the coding strand, the complement: PTCH1 is on the minus strand). VCF-style: chr9-95508250-C-T. GRCh37 (hg19) VCF-style: chr9-98270532-C-T.
Other names: c.112G>A, p.Gly38Arg (NM_001354918.2); c.199-1651G>A (NM_001083603.3); c.4-1651G>A (NM_001083602.3, NM_001354919.2); short protein forms G38R.
Identifiers: ClinVar variation 650069 (VCV000650069.8), dbSNP rs45574039, ClinGen allele CA196555628.